The following is an entry in ClinVar:

ClinVar aggregate classification (germline): Pathogenic (1 of 4 stars; one submission).

Conditions:
Myoclonic dystonia 11 (DYT11). Also called: DYT-SGCE; Myoclonic dystonia; Dystonia 11; Dystonia, alcohol responsive; Hereditary essential myoclonus; SGCE Myoclonus-Dystonia. Identifiers: Orphanet 36899, MedGen C1834570, MONDO:0008044, OMIM 159900.

Submission:

Labcorp Genetics (formerly Invitae), Labcorp
Classification: Pathogenic for Myoclonic dystonia 11. Last evaluated: 2022-04-08. Review status: criteria provided, single submitter. Criteria: Invitae Variant Classification Sherloc (09022015). Collection method: clinical testing. Allele origin: germline.
Comment: This sequence change creates a premature translational stop signal (p.Trp270*) in the SGCE gene. It is expected to result in an absent or disrupted protein product. Loss-of-function variants in SGCE are known to be pathogenic (PMID: 12821748, 15389977, 17853490, 24297365). This variant is not present in population databases (gnomAD no frequency). This premature translational stop signal has been observed in individual(s) with myoclonus-dystonia syndrome (PMID: 17853490). Algorithms developed to predict the effect of sequence changes on RNA splicing suggest that this variant may disrupt the consensus splice site. For these reasons, this variant has been classified as Pathogenic.

Literature cited by the submitters: PubMed 12821748; PubMed 15389977; PubMed 17853490; PubMed 24297365.

NM_003919.3(SGCE):c.809G>A (p.Trp270Ter)

Genes: CASD1 (CAS1 domain sialic acid O acetyltransferase 1; plus strand), SGCE (sarcoglycan epsilon; minus strand). Cytogenetic location: 7q21.3.
Variant type: single nucleotide variant.
Coding change: c.809G>A on transcript NM_003919.3 (MANE Select); coding-DNA position 809, G replaced by A.
Protein change: p.Trp270Ter; replaces tryptophan 270 with a stop codon.
Molecular consequence: nonsense.
Genome position (GRCh38, 1-based): chr7:94,603,306, C>T on the plus strand (G>A on the coding strand, the complement: SGCE is on the minus strand). VCF-style: chr7-94603306-C-T. GRCh37 (hg19) VCF-style: chr7-94232618-C-T.
Other names: c.809G>A, p.Trp270Ter (NM_001099400.2, NM_001099401.2, NM_001346717.2); c.686G>A, p.Trp229Ter (NM_001301139.2, NM_001362809.2); c.917G>A, p.Trp306Ter (NM_001346713.2, NM_001346715.2); c.722G>A, p.Trp241Ter (NM_001346719.2, NM_001362807.2); c.536G>A, p.Trp179Ter (NM_001346720.2, NM_001362808.2); short protein forms W229*, W270*, W179*, W241*, W306*.
Identifiers: ClinVar variation 2123174 (VCV002123174.4), dbSNP rs2484972496, ClinGen allele CA368231823.